The following is an entry in ClinVar:

ClinVar aggregate classification (germline): Uncertain significance. Review status: criteria provided, multiple submitters, no conflicts (2 of 4 stars). 4 submissions from 4 submitters: Uncertain significance (4). Last evaluated 2025-01-15.

Conditions:
Inborn genetic diseases. Identifiers: MedGen C0950123, MeSH D030342.

Allele frequency attached by ClinVar (database versions not stated): ExAC 0.00001; gnomAD 0.00001; gnomAD exomes 0.00001; TOPMed 0.00001.
gnomAD v4.1: 12 of 1,613,928 alleles (0.00074%); highest among the groups gnomAD compares: East Asian, 0.0022%; no homozygotes.

Submissions (4):

Women's Health and Genetics/Laboratory Corporation of America, LabCorp
Classification: Uncertain significance. Last evaluated: 2025-01-15. Review status: criteria provided, single submitter. Criteria: LabCorp Variant Classification Summary - May 2015. Collection method: clinical testing. Allele origin: germline.
Comment: Variant summary: CLTC c.3233A>G (p.Asn1078Ser) results in a conservative amino acid change in the encoded protein sequence. Three of five in-silico tools predict a benign effect of the variant on protein function. The variant allele was found at a frequency of 4e-06 in 250258 control chromosomes. The available data on variant occurrences in the general population are insufficient to allow any conclusion about variant significance. To our knowledge, no occurrence of c.3233A>G in individuals affected with Intellectual Disability, Autosomal Dominant 56 and no experimental evidence demonstrating its impact on protein function have been reported. ClinVar contains an entry for this variant (Variation ID: 1924594). Based on the evidence outlined above, the variant was classified as uncertain significance.

CeGaT Center for Human Genetics Tuebingen
Classification: Uncertain significance. Last evaluated: 2022-10-01. Review status: criteria provided, single submitter. Criteria: CeGaT Center For Human Genetics Tuebingen Variant Classification Criteria Version 2. Collection method: clinical testing. Allele origin: germline. Affected: yes. Observed: 1 variant allele.
Comment: CLTC: PP2

Labcorp Genetics (formerly Invitae), Labcorp
Classification: Uncertain significance. Last evaluated: 2022-07-09. Review status: criteria provided, single submitter. Criteria: Invitae Variant Classification Sherloc (09022015). Collection method: clinical testing. Allele origin: germline.
Comment: This sequence change replaces asparagine, which is neutral and polar, with serine, which is neutral and polar, at codon 1082 of the CLTC protein (p.Asn1082Ser). This variant is present in population databases (rs759911857, gnomAD 0.006%). This variant has not been reported in the literature in individuals affected with CLTC-related conditions. Algorithms developed to predict the effect of missense changes on protein structure and function are either unavailable or do not agree on the potential impact of this missense change (SIFT: "Tolerated"; PolyPhen-2: "Not Available"; Align-GVGD: "Class C0"). In summary, the available evidence is currently insufficient to determine the role of this variant in disease. Therefore, it has been classified as a Variant of Uncertain Significance.

Ambry Genetics
Classification: Uncertain significance for Inborn genetic diseases. Last evaluated: 2022-01-19. Review status: criteria provided, single submitter. Criteria: Ambry Variant Classification Scheme 2023. Collection method: clinical testing. Allele origin: germline.

NM_004859.4(CLTC):c.3233A>G (p.Asn1078Ser)

Gene: CLTC (clathrin heavy chain; plus strand). Cytogenetic location: 17q23.1.
Variant type: single nucleotide variant.
Coding change: c.3233A>G on transcript NM_004859.4 (MANE Select); coding-DNA position 3233, A replaced by G.
Protein change: p.Asn1078Ser; replaces asparagine 1078 with serine.
Molecular consequence: missense variant.
Genome position (GRCh38, 1-based): chr17:59,681,462, A>G. VCF-style: chr17-59681462-A-G. GRCh37 (hg19) VCF-style: chr17-57758823-A-G.
Other names: c.3245A>G, p.Asn1082Ser (NM_001288653.2); short protein forms N1082S, N1078S.
Identifiers: ClinVar variation 1924594 (VCV001924594.31), dbSNP rs759911857, ClinGen allele CA8681548.